The following is an entry in ClinVar:

NM_000069.3(CACNA1S):c.912C>T (p.Ala304=)

Gene: CACNA1S (calcium voltage-gated channel subunit alpha1 S; minus strand). Cytogenetic location: 1q32.1.
Variant type: single nucleotide variant.
Coding change: c.912C>T on transcript NM_000069.3 (MANE Select); coding-DNA position 912, C replaced by T.
Protein change: p.Ala304=; no amino-acid change (alanine 304 retained).
Molecular consequence: synonymous variant.
Genome position (GRCh38, 1-based): chr1:201,087,918, G>A on the plus strand (C>T on the coding strand, the complement: CACNA1S is on the minus strand). VCF-style: chr1-201087918-G-A. GRCh37 (hg19) VCF-style: chr1-201057046-G-A.
Identifiers: ClinVar variation 3036738 (VCV003036738.4), dbSNP rs767464430, ClinGen allele CA084062.

ClinVar aggregate classification (germline): Likely benign. Review status: criteria provided, single submitter (1 of 4 stars). 2 submissions from 2 submitters: Likely benign (1). 1 of the submissions does not count toward it. Last evaluated 2024-10-05.

Conditions:
CACNA1S-related disorder. Also called: CACNA1S-related condition.
Hypokalemic periodic paralysis, type 1. Also called: Hypokalemic Periodic Paralysis Type 1 (AD); HypoPP. Identifiers: Orphanet 681, MedGen C3714580, MONDO:0042979, OMIM 170400.
Malignant hyperthermia, susceptibility to, 5 (MHS5). Also called: CACNA1S-Related Malignant Hyperthermia Susceptibility. Identifiers: Orphanet 423, MedGen C1866077, MONDO:0011163, OMIM 601887.

Allele frequency attached by ClinVar (database versions not stated): gnomAD exomes below 0.00001; ExAC 0.00001.
gnomAD v4.1: 3 of 1,611,356 alleles (0.00019%); highest among the groups gnomAD compares: Non-Finnish European, 0.00025%; no homozygotes.

Submissions (2):

Labcorp Genetics (formerly Invitae), Labcorp
Classification: Likely benign for Hypokalemic periodic paralysis, type 1; Malignant hyperthermia, susceptibility to, 5. Last evaluated: 2024-10-05. Review status: criteria provided, single submitter. Criteria: Invitae Variant Classification Sherloc (09022015). Collection method: clinical testing. Allele origin: germline.

PreventionGenetics, part of Exact Sciences
Classification: Likely benign for CACNA1S-related condition. Last evaluated: 2023-03-09. Review status: no assertion criteria provided. Collection method: clinical testing. Allele origin: germline. Not counted in ClinVar's aggregate classification.
Comment: This variant is classified as likely benign based on ACMG/AMP sequence variant interpretation guidelines (Richards et al. 2015 PMID: 25741868, with internal and published modifications).